The following is an entry in ClinVar:

ClinVar aggregate classification (germline): Uncertain significance. Review status: criteria provided, multiple submitters, no conflicts (2 of 4 stars). 2 submissions from 2 submitters: Uncertain significance (2). Last evaluated 2023-10-13.

Allele frequency attached by ClinVar (database versions not stated): gnomAD 0.00001; 1000 Genomes Project 30x 0.00016; 1000 Genomes Project 0.00020.
gnomAD v4.1: 16 of 1,613,942 alleles (0.00099%); highest among the groups gnomAD compares: East Asian, 0.036%; no homozygotes.

Submissions (2):

Ambry Genetics
Classification: Uncertain significance. Last evaluated: 2023-10-13. Review status: criteria provided, single submitter. Criteria: Ambry Variant Classification Scheme 2023. Collection method: clinical testing. Allele origin: germline.
Comment: The p.H613Y variant (also known as c.1837C>T), located in coding exon 12 of the RINT1 gene, results from a C to T substitution at nucleotide position 1837. The histidine at codon 613 is replaced by tyrosine, an amino acid with similar properties. This amino acid position is well conserved in available vertebrate species. In addition, this alteration is predicted to be tolerated by in silico analysis. Since supporting evidence is limited at this time, the clinical significance of this alteration remains unclear.

Labcorp Genetics (formerly Invitae), Labcorp
Classification: Uncertain significance. Last evaluated: 2017-10-31. Review status: criteria provided, single submitter. Criteria: Invitae Variant Classification Sherloc (09022015). Collection method: clinical testing. Allele origin: germline.
Comment: In summary, the available evidence is currently insufficient to determine the role of this variant in disease. Therefore, it has been classified as a Variant of Uncertain Significance. This sequence change replaces histidine with tyrosine at codon 613 of the RINT1 protein (p.His613Tyr). The histidine residue is highly conserved and there is a moderate physicochemical difference between histidine and tyrosine. This variant is present in population databases (rs79858161, ExAC 0.03%). This variant has not been reported in the literature in individuals with RINT1-related disease. Algorithms developed to predict the effect of missense changes on protein structure and function do not agree on the potential impact of this missense change (SIFT: "Deleterious"; PolyPhen-2: "Benign"; Align-GVGD: "Class C0").

NM_021930.6(RINT1):c.1837C>T (p.His613Tyr)

Gene: RINT1 (RAD50 interactor 1; plus strand). Cytogenetic location: 7q22.3.
Variant type: single nucleotide variant.
Coding change: c.1837C>T on transcript NM_021930.6 (MANE Select); coding-DNA position 1837, C replaced by T.
Protein change: p.His613Tyr; replaces histidine 613 with tyrosine.
Molecular consequence: missense variant. On other transcripts: non-coding transcript variant (1).
Genome position (GRCh38, 1-based): chr7:105,563,898, C>T. VCF-style: chr7-105563898-C-T. GRCh37 (hg19) VCF-style: chr7-105204345-C-T.
Other names: c.1603C>T, p.His535Tyr (NM_001346599.2); c.814C>T, p.His272Tyr (NM_001346600.2, NM_001346603.2); c.913C>T, p.His305Tyr (NM_001346601.2); short protein forms H272Y, H305Y, H535Y, H613Y.
Identifiers: ClinVar variation 1009812 (VCV001009812.11), dbSNP rs79858161, ClinGen allele CA4426778.